The following is an entry in ClinVar:

NM_080425.4(GNAS):c.181G>A (p.Val61Ile)

Gene: GNAS (GNAS complex locus; plus strand). Cytogenetic location: 20q13.32.
Variant type: single nucleotide variant.
Coding change: c.181G>A on transcript NM_080425.4 (MANE Plus Clinical); coding-DNA position 181, G replaced by A.
Protein change: p.Val61Ile; replaces valine 61 with isoleucine.
Molecular consequence: missense variant. On other transcripts: 5 prime UTR variant (2), intron variant (3).
Genome position (GRCh38, 1-based): chr20:58,853,446, G>A. VCF-style: chr20-58853446-G-A. GRCh37 (hg19) VCF-style: chr20-57428501-G-A.
Other names: c.-7G>A (NM_001077490.3, NM_001309883.1); c.181G>A, p.Val61Ile (NM_001410913.1); c.*42+12560G>A (NM_016592.5); c.43+12560G>A (NM_001410912.1); c.-39+11571G>A (NM_001309861.2); short protein forms V61I.
Identifiers: ClinVar variation 134497 (VCV000134497.3), dbSNP rs587778390, ClinGen allele CA159975.

ClinVar aggregate classification (germline): not provided (0 of 4 stars; one submission).

gnomAD v4.1: 1 of 1,610,404 alleles (0.000062%); highest among the groups gnomAD compares: Non-Finnish European, 0.000085%; no homozygotes.

Submission:

ITMI
No classification provided. Condition: AllHighlyPenetrant. Last evaluated: 2013-09-19. Review status: no classification provided. Collection method: reference population. Allele origin: germline.
Comment: Please see associated publication for description of ethnicities

Literature cited by the submitters: PubMed 24728327.